The following is an entry in ClinVar:

ClinVar aggregate classification (germline): Uncertain significance (1 of 4 stars; one submission).

Submission:

Labcorp Genetics (formerly Invitae), Labcorp
Classification: Uncertain significance. Last evaluated: 2022-06-13. Review status: criteria provided, single submitter. Criteria: Invitae Variant Classification Sherloc (09022015). Collection method: clinical testing. Allele origin: germline.
Comment: ClinVar contains an entry for this variant (Variation ID: 1005392). In summary, the available evidence is currently insufficient to determine the role of this variant in disease. Therefore, it has been classified as a Variant of Uncertain Significance. Algorithms developed to predict the effect of missense changes on protein structure and function output the following: SIFT: "Tolerated"; PolyPhen-2: "Benign"; Align-GVGD: "Class C0". The threonine amino acid residue is found in multiple mammalian species, which suggests that this missense change does not adversely affect protein function. This variant has not been reported in the literature in individuals affected with PROM1-related conditions. This variant is not present in population databases (gnomAD no frequency). This sequence change replaces alanine, which is neutral and non-polar, with threonine, which is neutral and polar, at codon 159 of the PROM1 protein (p.Ala159Thr).

NM_006017.3(PROM1):c.475G>A (p.Ala159Thr)

Gene: PROM1 (prominin 1; minus strand). Cytogenetic location: 4p15.32.
Variant type: single nucleotide variant.
Coding change: c.475G>A on transcript NM_006017.3 (MANE Select); coding-DNA position 475, G replaced by A.
Protein change: p.Ala159Thr; replaces alanine 159 with threonine.
Molecular consequence: missense variant.
Genome position (GRCh38, 1-based): chr4:16,033,338, C>T on the plus strand (G>A on the coding strand, the complement: PROM1 is on the minus strand). VCF-style: chr4-16033338-C-T. GRCh37 (hg19) VCF-style: chr4-16034961-C-T.
Other names: c.448G>A, p.Ala150Thr (NM_001145847.2, NM_001145848.2, NM_001145851.2 and 4 more transcripts); c.475G>A, p.Ala159Thr (NM_001145849.2, NM_001145850.2); short protein forms A150T, A159T.
Identifiers: ClinVar variation 1005392 (VCV001005392.8), dbSNP rs1733179048, ClinGen allele CA356427246.
Genomic context (GRCh38, chr4:16,033,338, plus strand): 5'-CAGTTGTTGTCCAATATTGTACTTGCCTTATTATTATACAAATCACCAACAGGGAGATTG[C>T]AAAGCATTTCCTCAGGAAGGGCCCATTTTCCTTCTGTCGCTGGTGCATTTCTCCACCACA-3'
Protein context (NP_006008.1, residues 149-169): ENGPFLRKCF[Ala159Thr]ISLLVICIII